The following is an entry in ClinVar:

NM_001386298.1(CIC):c.7310C>T (p.Pro2437Leu)

Gene: CIC (capicua transcriptional repressor; plus strand). Cytogenetic location: 19q13.2.
Variant type: single nucleotide variant.
Coding change: c.7310C>T on transcript NM_001386298.1 (MANE Select); coding-DNA position 7310, C replaced by T.
Protein change: p.Pro2437Leu; replaces proline 2437 with leucine.
Molecular consequence: missense variant.
Genome position (GRCh38, 1-based): chr19:42,294,947, C>T. VCF-style: chr19-42294947-C-T. GRCh37 (hg19) VCF-style: chr19-42799099-C-T.
Other names: c.7310C>T, p.Pro2437Leu (NM_001304815.2); c.7307C>T, p.Pro2436Leu (NM_001379480.1, NM_001379482.1, NM_001379483.1); c.4577C>T, p.Pro1526Leu (NM_001379484.1); c.4574C>T, p.Pro1525Leu (NM_001379485.1); c.4583C>T, p.Pro1528Leu (NM_015125.5); short protein forms P1525L, P1526L, P1528L, P2436L, P2437L.
Identifiers: ClinVar variation 2578830 (VCV002578830.25), dbSNP rs2514103881, ClinGen allele CA406124859.
Genomic context (GRCh38, chr19:42,294,947, plus strand): 5'-AGTTGAAGATCCGTGAGGTGCGCCAGAAGATCATGCAGGCTGCCACTCCCACGGAGCAGC[C>T]CCCTGGAGCTGAGGCTCCTCTCCCTGTACCGCCCCCCACTGGCACCGCTGCTGCCCCTGC-3'
Protein context (NP_001373227.1, residues 2427-2447): IMQAATPTEQ[Pro2437Leu]PGAEAPLPVP

ClinVar aggregate classification (germline): Uncertain significance (1 of 4 stars; one submission).

Allele frequency attached by ClinVar (database versions not stated): gnomAD exomes below 0.00001.
gnomAD v4.1: 1 of 1,600,476 alleles (0.000062%); highest among the groups gnomAD compares: East Asian, 0.0022%; no homozygotes.

Submission:

CeGaT Center for Human Genetics Tuebingen
Classification: Uncertain significance. Last evaluated: 2023-07-01. Review status: criteria provided, single submitter. Criteria: CeGaT Center For Human Genetics Tuebingen Variant Classification Criteria Version 2. Collection method: clinical testing. Allele origin: germline. Affected: yes. Observed: 1 variant allele.
Comment: CIC: PM2, BP4